The following is an entry in ClinVar:

NM_000051.4(ATM):c.4416G>T (p.Leu1472Phe)

Gene: ATM (ATM serine/threonine kinase; plus strand). Cytogenetic location: 11q22.3.
Variant type: single nucleotide variant.
Coding change: c.4416G>T on transcript NM_000051.4 (MANE Select); coding-DNA position 4416, G replaced by T.
Protein change: p.Leu1472Phe; replaces leucine 1472 with phenylalanine.
Molecular consequence: missense variant.
Genome position (GRCh38, 1-based): chr11:108,289,781, G>T. VCF-style: chr11-108289781-G-T. GRCh37 (hg19) VCF-style: chr11-108160508-G-T.
Other names: c.4416G>T, p.Leu1472Phe (NM_001351834.2); short protein forms L1472F.
Identifiers: ClinVar variation 2705451 (VCV002705451.3), dbSNP rs201526888, ClinGen allele CA382532252.

ClinVar aggregate classification (germline): Uncertain significance (1 of 4 stars; one submission).

Conditions:
Ataxia-telangiectasia syndrome (AT). Also called: ATAXIA-TELANGIECTASIA, COMPLEMENTATION GROUP A; ATAXIA-TELANGIECTASIA, FRESNO VARIANT; Ataxia-telangiectasia, complementation group D; LOUIS-BAR SYNDROME; AT, COMPLEMENTATION GROUP C; Ataxia-telangiectasia. Identifiers: Orphanet 100, MedGen C0004135, MONDO:0008840, OMIM 208900.

Submission:

Labcorp Genetics (formerly Invitae), Labcorp
Classification: Uncertain significance for Ataxia-telangiectasia syndrome. Last evaluated: 2023-12-25. Review status: criteria provided, single submitter. Criteria: Invitae Variant Classification Sherloc (09022015). Collection method: clinical testing. Allele origin: germline.
Comment: This sequence change replaces leucine, which is neutral and non-polar, with phenylalanine, which is neutral and non-polar, at codon 1472 of the ATM protein (p.Leu1472Phe). This variant is not present in population databases (gnomAD no frequency). This variant has not been reported in the literature in individuals affected with ATM-related conditions. An algorithm developed to predict the effect of missense changes on protein structure and function (PolyPhen-2) suggests that this variant is likely to be disruptive. In summary, the available evidence is currently insufficient to determine the role of this variant in disease. Therefore, it has been classified as a Variant of Uncertain Significance.